The following is an entry in ClinVar:

ClinVar aggregate classification (germline): Uncertain significance. Review status: criteria provided, multiple submitters, no conflicts (2 of 4 stars). 2 submissions from 2 submitters: Uncertain significance (2). Last evaluated 2024-09-25.

Allele frequency attached by ClinVar (database versions not stated): gnomAD exomes 0.00005 and 0.00006; TOPMed 0.00005; ExAC 0.00006; gnomAD 0.00009 and 0.00010.

Submissions (2):

Labcorp Genetics (formerly Invitae), Labcorp
Classification: Uncertain significance. Last evaluated: 2024-09-25. Review status: criteria provided, single submitter. Criteria: Invitae Variant Classification Sherloc (09022015). Collection method: clinical testing. Allele origin: germline.
Comment: This sequence change replaces glycine, which is neutral and non-polar, with serine, which is neutral and polar, at codon 241 of the DNASE2 protein (p.Gly241Ser). This variant is present in population databases (rs766377327, gnomAD 0.02%). This variant has not been reported in the literature in individuals affected with DNASE2-related conditions. ClinVar contains an entry for this variant (Variation ID: 1510924). An algorithm developed to predict the effect of missense changes on protein structure and function (PolyPhen-2) suggests that this variant is likely to be disruptive. In summary, the available evidence is currently insufficient to determine the role of this variant in disease. Therefore, it has been classified as a Variant of Uncertain Significance.

Ambry Genetics
Classification: Uncertain significance. Last evaluated: 2023-05-03. Review status: criteria provided, single submitter. Criteria: Ambry Variant Classification Scheme 2023. Collection method: clinical testing. Allele origin: germline.

NM_001375.3(DNASE2):c.721G>A (p.Gly241Ser)

Gene: DNASE2 (deoxyribonuclease 2, lysosomal; minus strand). Cytogenetic location: 19p13.13.
Variant type: single nucleotide variant.
Coding change: c.721G>A on transcript NM_001375.3 (MANE Select); coding-DNA position 721, G replaced by A.
Protein change: p.Gly241Ser; replaces glycine 241 with serine.
Molecular consequence: missense variant.
Genome position (GRCh38, 1-based): chr19:12,876,352, C>T on the plus strand (G>A on the coding strand, the complement: DNASE2 is on the minus strand). VCF-style: chr19-12876352-C-T. GRCh37 (hg19) VCF-style: chr19-12987166-C-T.
Other names: c.721G>A (NM_001375.2); short protein forms G241S.
Identifiers: ClinVar variation 1510924 (VCV001510924.7), dbSNP rs766377327, ClinGen allele CA9233703.
Genomic context (GRCh38, chr19:12,876,352, plus strand): 5'-CTACAGTTTTGTGCCAGAACTGGACCTGCAGGTTGGTACCAAGGGCTGCTGCCAACCAGC[C>T]GGAGTACAGGTCTGCAAAGGATGGAGAGAGGGCACAGGTAGGGTCAGGGCCACTGCGAGG-3'
Protein context (NP_001366.1, residues 231-251): FSKFGDDLYS[Gly241Ser]WLAAALGTNL